The following is an entry in ClinVar:

ClinVar aggregate classification (germline): Likely benign (1 of 4 stars; one submission).

Submission:

CeGaT Center for Human Genetics Tuebingen
Classification: Likely benign. Last evaluated: 2026-02-01. Review status: criteria provided, single submitter. Criteria: CeGaT Center For Human Genetics Tuebingen Variant Classification Criteria Version 2. Collection method: clinical testing. Allele origin: germline. Affected: yes. Observed: 2 variant alleles.
Comment: MAP1B: BP4, BP7, BS1

NM_005909.5(MAP1B):c.3258T>C (p.His1086=)

Gene: MAP1B (microtubule associated protein 1B; plus strand). Cytogenetic location: 5q13.2.
Variant type: single nucleotide variant.
Coding change: c.3258T>C on transcript NM_005909.5 (MANE Select); coding-DNA position 3258, T replaced by C.
Protein change: p.His1086=; no amino-acid change (histidine 1086 retained).
Molecular consequence: synonymous variant.
Genome position (GRCh38, 1-based): chr5:72,196,613, T>C. VCF-style: chr5-72196613-T-C. GRCh37 (hg19) VCF-style: chr5-71492440-T-C.
Other names: c.2880T>C, p.His960= (NM_001324255.2).
Identifiers: ClinVar variation 4533633 (VCV004533633.6).
Genomic context (GRCh38, chr5:72,196,613, plus strand): 5'-CACACCAACCAAGCAACTAGGAGCCCAGTCTCCTGGCCGAGAACCTGCATCTTCAATTCA[T>C]GATGAGACTTTACCTGGAGGCTCAGAGAGCGAGGCCACCGCTTCTGATGAGGAGAATCGA-3'
Protein context (NP_005900.2, residues 1076-1096): SPGREPASSI[His1086=]DETLPGGSES